The following is an entry in ClinVar:

ClinVar aggregate classification (germline): Conflicting classifications of pathogenicity. Review status: criteria provided, conflicting classifications (1 of 4 stars). 6 submissions from 6 submitters: Likely pathogenic (2); Uncertain significance (3). 1 of the submissions does not count toward it. Last evaluated 2026-05-20.

Conditions:
Dilated cardiomyopathy 1DD (CMD1DD). Identifiers: Orphanet 154, MedGen C2750995, MONDO:0013168, OMIM 613172.
Cardiovascular phenotype. Identifiers: MedGen CN230736.
Primary dilated cardiomyopathy (DCM). Also called: Dilated Cardiomyopathy. Identifiers: Orphanet 217604, MedGen C0007193, MeSH D002311, MONDO:0005021, HP:0001644. Inheritance: Various modes of inheritance.

Allele frequency attached by ClinVar (database versions not stated): gnomAD exomes 0.00001; TOPMed below 0.00001; gnomAD 0.00001; ExAC 0.00007.
gnomAD v4.1: 11 of 1,546,514 alleles (0.00071%); highest among the groups gnomAD compares: South Asian, 0.0036%; no homozygotes.

Submissions (6):

GeneDx
Classification: Likely pathogenic. Last evaluated: 2026-05-20. Review status: criteria provided, single submitter. Criteria: GeneDx Variant Classification Process June 2021. Collection method: clinical testing. Allele origin: germline.
Comment: Reported in patients with DCM in published literature (PMID: 32905764, 36367695, 37652022); Identified in a patient with early onset atrial fibrillation (AF) in published literature (PMID: 36975868); Not observed at significant frequency in large population cohorts (gnomAD); In silico analysis supports that this missense variant has a deleterious effect on protein structure/function; This variant is associated with the following publications: (PMID: 37463913, 36198914, 32905764, 37652022, 36975868, 30487145, 38359791, 36367695, 41210585, 40920839, 37349314, 38288598, 33671899, 34244519, 38350330, 34575212, 37183561, 35870234)

Labcorp Genetics (formerly Invitae), Labcorp
Classification: Uncertain significance for Dilated cardiomyopathy 1DD. Last evaluated: 2025-08-31. Review status: criteria provided, single submitter. Criteria: Invitae Variant Classification Sherloc (09022015). Collection method: clinical testing. Allele origin: germline.
Comment: This sequence change replaces proline, which is neutral and non-polar, with leucine, which is neutral and non-polar, at codon 633 of the RBM20 protein (p.Pro633Leu). The frequency data for this variant in the population databases is considered unreliable, as metrics indicate poor data quality at this position in the gnomAD database. This missense change has been observed in individuals with dilated cardiomyopathy (PMID: 36367695, 37463913, 37652022; internal data). ClinVar contains an entry for this variant (Variation ID: 572099). Invitae Evidence Modeling of protein sequence and biophysical properties (such as structural, functional, and spatial information, amino acid conservation, physicochemical variation, residue mobility, and thermodynamic stability) has been performed for this missense variant. However, the output from this modeling did not meet the statistical confidence thresholds required to predict the impact of this variant on RBM20 protein function. Experimental studies have shown that this missense change affects RBM20 function (PMID: 37463913). In summary, the available evidence is currently insufficient to determine the role of this variant in disease. Therefore, it has been classified as a Variant of Uncertain Significance.

Ambry Genetics
Classification: Uncertain significance for Cardiovascular phenotype. Last evaluated: 2025-05-12. Review status: criteria provided, single submitter. Criteria: Ambry Variant Classification Scheme 2023. Collection method: clinical testing. Allele origin: germline.
Comment: The p.P633L variant (also known as c.1898C>T), located in coding exon 9 of the RBM20 gene, results from a C to T substitution at nucleotide position 1898. The proline at codon 633 is replaced by leucine, an amino acid with similar properties. This variant was reported in individual(s) with features consistent with dilated cardiomyopathy (Lennermann DC et al. Am J Physiol Heart Circ Physiol, 2022 Dec;323:H1296-H1310; McGurk KA et al. Am J Hum Genet, 2023 Sep;110:1482-1495; Ambry internal data). Functional studies suggest this variant may impact protein function; however, the physiological relevance of these findings are unclear (Zhu C et al. Nat Commun, 2021 Jul;12:4203; Grosch M et al. Nat Commun, 2023 Jun;14:3714; Kornienko J et al. Nat Commun, 2023 Jul;14:4312). This amino acid position is well conserved in available vertebrate species. In addition, the in silico prediction for this alteration is inconclusive. Based on the available evidence, the clinical significance of this variant remains unclear.

Regional Center For Medical Genetics Timis, Louis Turcanu Emergency Hospital for Children Timisoara
Classification: Likely pathogenic for Dilated cardiomyopathy 1DD. Last evaluated: 2025-04-22. Review status: criteria provided, single submitter. Criteria: ACMG Guidelines, 2015. Collection method: clinical testing. Allele origin: germline. Affected: yes.
Comment: The variant is present in population databases in heterozygous state (gnomAD v4.1.0, allele frequency = 0.000007113; PM2_Supporting). In silico predictions are inconclusive. The variant is located in the RS-rich mutational hotspot region of exon 9 in RBM20 (PM1; PMID: 34575212). It is reported in ClinVar with conflicting interpretations of pathogenicity (likely pathogenic / uncertain significance) for dilated cardiomyopathy (Accession: VCV000572099.9). The variant has been described in individuals with dilated cardiomyopathy (PMID: 36367695, 37463913, 37652022; OR = 6.75; VariantFX; PS4_Supporting). Experimental studies have shown that this variant impairs protein function (PMID: 37463913).

Fulgent Genetics
Classification: Uncertain significance for Dilated cardiomyopathy 1DD. Last evaluated: 2021-07-31. Review status: criteria provided, single submitter. Criteria: ACMG Guidelines, 2015. Collection method: clinical testing. Allele origin: unknown.

Snyder Lab, Genetics Department, Stanford University
Classification: Likely pathogenic for Primary dilated cardiomyopathy. Last evaluated: 2017-01-01. Review status: no assertion criteria provided. Criteria: ACMG Guidelines, 2015. Collection method: research. Allele origin: germline. Not counted in ClinVar's aggregate classification.

Literature cited by the submitters: PubMed 36367695 (cited by 3 submitters); PubMed 37463913 (cited by 3 submitters); PubMed 37652022 (cited by 3 submitters); PubMed 30487145 (cited by Ambry Genetics); PubMed 32905764 (cited by Ambry Genetics); PubMed 33671899 (cited by Ambry Genetics); PubMed 34244519 (cited by Ambry Genetics); PubMed 36975868 (cited by Ambry Genetics); PubMed 37349314 (cited by Ambry Genetics); PubMed 34575212 (cited by Regional Center For Medical Genetics Timis, Louis Turcanu Emergency Hospital for Children Timisoara).

NM_001134363.3(RBM20):c.1898C>T (p.Pro633Leu)

Gene: RBM20 (RNA binding motif protein 20; plus strand). Cytogenetic location: 10q25.2.
Variant type: single nucleotide variant.
Coding change: c.1898C>T on transcript NM_001134363.3 (MANE Select); coding-DNA position 1898, C replaced by T.
Protein change: p.Pro633Leu; replaces proline 633 with leucine.
Molecular consequence: missense variant.
Genome position (GRCh38, 1-based): chr10:110,812,295, C>T. VCF-style: chr10-110812295-C-T. GRCh37 (hg19) VCF-style: chr10-112572053-C-T.
Other names: short protein forms P633L.
Identifiers: ClinVar variation 572099 (VCV000572099.13), dbSNP rs747880281, ClinGen allele CA5688649.